The following is an entry in ClinVar:

NM_001163435.3(TBCK):c.658+1G>A

Gene: TBCK (TBC1 domain containing kinase; minus strand). Cytogenetic location: 4q24.
Variant type: single nucleotide variant.
Coding change: c.658+1G>A on transcript NM_001163435.3 (MANE Select); the canonical splice donor site of the intron after coding-DNA position 658, G replaced by A.
Molecular consequence: splice donor variant.
Genome position (GRCh38, 1-based): chr4:106,250,417, C>T on the plus strand (G>A on the coding strand, the complement: TBCK is on the minus strand). VCF-style: chr4-106250417-C-T. GRCh37 (hg19) VCF-style: chr4-107171574-C-T.
Other names: c.658+1G>A (NM_001163436.4); c.469+1G>A (NM_033115.5); c.541+1G>A (NM_001163437.3); c.142+1G>A (NM_001290768.2).
Identifiers: ClinVar variation 635859 (VCV000635859.4), dbSNP rs1579395680, ClinGen allele CA357825218.

ClinVar aggregate classification (germline): Pathogenic. Review status: criteria provided, multiple submitters, no conflicts (2 of 4 stars). 3 submissions from 3 submitters: Pathogenic (3). Last evaluated 2025-01-15.

Conditions:
Neurodevelopmental disorder. Identifiers: MedGen C1535926, MeSH D065886, MONDO:0700092.
Hypotonia, infantile, with psychomotor retardation and characteristic facies 3 (IHPRF3). Also called: TBCK-Related Neurodevelopmental Disorder. Identifiers: Orphanet 488632, MedGen C5567480, MONDO:0014823, OMIM 616900.

Allele frequency attached by ClinVar (database versions not stated): gnomAD exomes below 0.00001.
gnomAD v4.1: 5 of 1,557,712 alleles (0.00032%); highest among the groups gnomAD compares: Non-Finnish European, 0.00044%; no homozygotes.

Submissions (3):

Broad Center for Mendelian Genomics, Broad Institute of MIT and Harvard
Classification: Pathogenic for Hypotonia, infantile, with psychomotor retardation and characteristic facies 3. Last evaluated: 2025-01-15. Review status: criteria provided, single submitter. Criteria: ACMG Guidelines, 2015. Collection method: curation. Allele origin: germline. Inheritance: Autosomal recessive inheritance.
Comment: The c.658+1G>A has been reported in at least 2 individuals with TBCK-related intellectual disability syndrome (PMID: 32827528, 31694722), and has been identified in 0.0004% (5/1138642) of European (non-Finnish) chromosomes by the Genome Aggregation Database (gnomAD; dbSNP rs1579395680). This variant has also been reported in ClinVar (Variation ID: 635859) and has been interpreted as pathogenic by Rare Disease Group (Clinical Genetics, Karolinska Institutet). Of the affected individuals, all were homozygotes, which increases the likelihood that the c.658+1G>A variant is pathogenic (PMID: 32827528, 31694722). This variant is located in the 3' splice region. Computational tools predict a splicing impact, though this information is not predictive enough to determine pathogenicity. Loss of function of the TBCK gene is an established disease mechanism in autosomal recessive TBCK-related intellectual disability syndrome. In summary, this variant meets criteria to be classified as pathogenic for autosomal recessive TBCK-related intellectual disability syndrome. ACMG/AMP Criteria applied: PVS1, PM2_supporting, PM3 (Richards 2015).

Centre for Inherited Metabolic Diseases, Karolinska University Hospital
Classification: Pathogenic for Hypotonia, infantile, with psychomotor retardation and characteristic facies 3. Last evaluated: 2024-03-20. Review status: criteria provided, single submitter. Criteria: ACMG Guidelines, 2015. Collection method: clinical testing. Allele origin: inherited. Inheritance: Autosomal recessive inheritance. Affected: yes. Observed: 1 homozygote.

Rare Disease Group, Clinical Genetics, Karolinska Institutet
Classification: Pathogenic for Neurodevelopmental disorder. Last evaluated: 2019-04-09. Review status: criteria provided, single submitter. Criteria: ACMG Guidelines, 2015. Collection method: clinical testing. Allele origin: germline. Affected: yes.